The following is an entry in ClinVar:

NM_012254.3(SLC27A5):c.1527C>T (p.Arg509=)

Gene: SLC27A5 (solute carrier family 27 member 5; minus strand). Cytogenetic location: 19q13.43.
Variant type: single nucleotide variant.
Coding change: c.1527C>T on transcript NM_012254.3 (MANE Select); coding-DNA position 1527, C replaced by T.
Protein change: p.Arg509=; no amino-acid change (arginine 509 retained).
Molecular consequence: synonymous variant.
Genome position (GRCh38, 1-based): chr19:58,499,632, G>A on the plus strand (C>T on the coding strand, the complement: SLC27A5 is on the minus strand). VCF-style: chr19-58499632-G-A. GRCh37 (hg19) VCF-style: chr19-59010999-G-A.
Other names: c.1275C>T, p.Arg425= (NM_001321196.2).
Identifiers: ClinVar variation 3036631 (VCV003036631.2), dbSNP rs756839709, ClinGen allele CA9717926.

ClinVar aggregate classification (germline): Likely benign (0 of 4 stars; one submission).

Conditions:
SLC27A5-related disorder. Also called: SLC27A5-related condition.

Allele frequency attached by ClinVar (database versions not stated): ExAC 0.00001; gnomAD 0.00001; TOPMed 0.00001; gnomAD exomes 0.00002.

Submission:

PreventionGenetics, part of Exact Sciences
Classification: Likely benign for SLC27A5-related condition. Last evaluated: 2021-07-19. Review status: no assertion criteria provided. Collection method: clinical testing. Allele origin: germline.
Comment: This variant is classified as likely benign based on ACMG/AMP sequence variant interpretation guidelines (Richards et al. 2015 PMID: 25741868, with internal and published modifications).